The following is an entry in ClinVar:

NM_005236.3(ERCC4):c.2104C>T (p.Arg702Trp)

Gene: ERCC4 (ERCC excision repair 4, endonuclease catalytic subunit; plus strand). Cytogenetic location: 16p13.12.
Variant type: single nucleotide variant.
Coding change: c.2104C>T on transcript NM_005236.3 (MANE Select); coding-DNA position 2104, C replaced by T.
Protein change: p.Arg702Trp; replaces arginine 702 with tryptophan.
Molecular consequence: missense variant.
Genome position (GRCh38, 1-based): chr16:13,947,700, C>T. VCF-style: chr16-13947700-C-T. GRCh37 (hg19) VCF-style: chr16-14041557-C-T.
Other names: short protein forms R702W.
Identifiers: ClinVar variation 1916239 (VCV001916239.5), dbSNP rs1180030515, ClinGen allele CA394821755.

ClinVar aggregate classification (germline): Uncertain significance (1 of 4 stars; one submission).

Conditions:
Xeroderma pigmentosum, group F (XPF). Also called: ERCC4-Related Xeroderma Pigmentosum; XERODERMA PIGMENTOSUM, TYPE F; Xeroderma pigmentosum, type 6; XERODERMA PIGMENTOSUM, COMPLEMENTATION GROUP F; XERODERMA PIGMENTOSUM VI; XP, GROUP F. Identifiers: MedGen C0268140, MONDO:0010215, OMIM 278760.
Cockayne syndrome. Identifiers: Orphanet 191, MedGen C0009207, MONDO:0016006.
Fanconi anemia complementation group Q. Identifiers: Orphanet 84, MedGen C3808988, MONDO:0014108, OMIM 615272.

Allele frequency attached by ClinVar (database versions not stated): TOPMed below 0.00001; gnomAD exomes 0.00001.
gnomAD v4.1: 8 of 1,614,180 alleles (0.0005%); highest among the groups gnomAD compares: Non-Finnish European, 0.00068%; no homozygotes.

Submission:

Labcorp Genetics (formerly Invitae), Labcorp
Classification: Uncertain significance for Fanconi anemia complementation group Q; Xeroderma pigmentosum, group F; Cockayne syndrome. Last evaluated: 2022-01-14. Review status: criteria provided, single submitter. Criteria: Invitae Variant Classification Sherloc (09022015). Collection method: clinical testing. Allele origin: germline.
Comment: In summary, the available evidence is currently insufficient to determine the role of this variant in disease. Therefore, it has been classified as a Variant of Uncertain Significance. Algorithms developed to predict the effect of missense changes on protein structure and function are either unavailable or do not agree on the potential impact of this missense change (SIFT: "Deleterious"; PolyPhen-2: "Probably Damaging"; Align-GVGD: "Class C0"). This variant has not been reported in the literature in individuals affected with ERCC4-related conditions. This variant is present in population databases (no rsID available, gnomAD 0.0009%). This sequence change replaces arginine, which is basic and polar, with tryptophan, which is neutral and slightly polar, at codon 702 of the ERCC4 protein (p.Arg702Trp).